The following is an entry in ClinVar:

NM_018180.3(DHX32):c.1752A>C (p.Ala584=)

Genes: BCCIP (BRCA2 and CDKN1A interacting protein; plus strand), DHX32 (DEAH-box helicase 32 (putative); minus strand). Cytogenetic location: 10q26.2.
Variant type: single nucleotide variant.
Coding change: c.1752A>C on transcript NM_018180.3 (MANE Select); coding-DNA position 1752, A replaced by C.
Protein change: p.Ala584=; no amino-acid change (alanine 584 retained).
Molecular consequence: synonymous variant. On other transcripts: intron variant (2).
Genome position (GRCh38, 1-based): chr10:125,839,130, T>G on the plus strand (A>C on the coding strand, the complement: DHX32 is on the minus strand). VCF-style: chr10-125839130-T-G. GRCh37 (hg19) VCF-style: chr10-127527699-T-G.
Other names: c.775-2125T>G (NM_016567.4, NM_078469.3).
Identifiers: ClinVar variation 2050910 (VCV002050910.25), dbSNP rs1391732235, ClinGen allele CA471798623.

ClinVar aggregate classification (germline): Likely benign. Review status: criteria provided, multiple submitters, no conflicts (2 of 4 stars). 2 submissions from 2 submitters: Likely benign (2). Last evaluated 2025-07-07.

Allele frequency attached by ClinVar (database versions not stated): gnomAD 0.00001.
gnomAD v4.1: 6 of 1,614,116 alleles (0.00037%); highest among the groups gnomAD compares: Non-Finnish European, 0.00051%; no homozygotes.

Submissions (2):

Labcorp Genetics (formerly Invitae), Labcorp
Classification: Likely benign. Last evaluated: 2025-07-07. Review status: criteria provided, single submitter. Criteria: Invitae Variant Classification Sherloc (09022015). Collection method: clinical testing. Allele origin: germline.

CeGaT Center for Human Genetics Tuebingen
Classification: Likely benign. Last evaluated: 2022-10-01. Review status: criteria provided, single submitter. Criteria: CeGaT Center For Human Genetics Tuebingen Variant Classification Criteria Version 2. Collection method: clinical testing. Allele origin: germline. Affected: yes. Observed: 1 variant allele.
Comment: DHX32: BP4, BP7